The following is an entry in ClinVar:

ClinVar aggregate classification (germline): Pathogenic (1 of 4 stars; one submission).

Conditions:
Ataxia-telangiectasia syndrome (AT). Also called: LOUIS-BAR SYNDROME; Ataxia-telangiectasia, complementation group D; AT, COMPLEMENTATION GROUP C; Cerebello-oculocutaneous telangiectasia; Immunodeficiency with ataxia telangiectasia; ATAXIA-TELANGIECTASIA, COMPLEMENTATION GROUP A. Identifiers: Orphanet 100, MedGen C0004135, MONDO:0008840, OMIM 208900.

Submission:

Labcorp Genetics (formerly Invitae), Labcorp
Classification: Pathogenic for Ataxia-telangiectasia syndrome. Last evaluated: 2021-07-14. Review status: criteria provided, single submitter. Criteria: Invitae Variant Classification Sherloc (09022015). Collection method: clinical testing. Allele origin: germline.
Comment: This variant is a gross deletion of the genomic region encompassing exons 1-4 of the ATM gene, which includes the initiator codon. The 5' end of this event is unknown as it extends beyond the assayed region for this gene and therefore may encompass additional genes. The 3' boundary is likely confined to intron 4 of the ATM gene. This is expected to result in an absent or disrupted protein product. This variant has not been reported in the literature in individuals with ATM-related conditions. Loss-of-function variants in ATM are known to be pathogenic (PMID: 23807571, 25614872). For these reasons, this variant has been classified as Pathogenic.

Literature cited by the submitters: PubMed 23807571; PubMed 25614872.

NC_000011.9:g.(?_108093770)_(108100060_?)del

Gene: ATM (ATM serine/threonine kinase; plus strand). Cytogenetic location: 11q22.3.
Variant type: Deletion.
Identifiers: ClinVar variation 1071690 (VCV001071690.5).